The following is an entry in ClinVar:

NM_004727.3(SLC24A1):c.756G>A (p.Met252Ile)

Gene: SLC24A1 (solute carrier family 24 member 1; plus strand). Cytogenetic location: 15q22.31.
Variant type: single nucleotide variant.
Coding change: c.756G>A on transcript NM_004727.3 (MANE Select); coding-DNA position 756, G replaced by A.
Protein change: p.Met252Ile; replaces methionine 252 with isoleucine.
Molecular consequence: missense variant.
Genome position (GRCh38, 1-based): chr15:65,624,836, G>A. VCF-style: chr15-65624836-G-A. GRCh37 (hg19) VCF-style: chr15-65917174-G-A.
Other names: c.756G>A, p.Met252Ile (NM_001301031.1, NM_001301032.1, NM_001301033.2); short protein forms M252I.
Identifiers: ClinVar variation 956619 (VCV000956619.8), dbSNP rs896122807, ClinGen allele CA271588032.

ClinVar aggregate classification (germline): Uncertain significance (1 of 4 stars; one submission).

Allele frequency attached by ClinVar (database versions not stated): gnomAD exomes below 0.00001; gnomAD 0.00001; TOPMed 0.00001.
gnomAD v4.1: 7 of 1,613,870 alleles (0.00043%); highest among the groups gnomAD compares: Non-Finnish European, 0.00059%; no homozygotes.

Submission:

Labcorp Genetics (formerly Invitae), Labcorp
Classification: Uncertain significance. Last evaluated: 2019-10-19. Review status: criteria provided, single submitter. Criteria: Invitae Variant Classification Sherloc (09022015). Collection method: clinical testing. Allele origin: germline.
Comment: Algorithms developed to predict the effect of missense changes on protein structure and function output the following: SIFT: "Tolerated"; PolyPhen-2: "Benign"; Align-GVGD: "Class C0". The isoleucine amino acid residue is found in multiple mammalian species, suggesting that this missense change does not adversely affect protein function. These predictions have not been confirmed by published functional studies and their clinical significance is uncertain. This variant has not been reported in the literature in individuals with SLC24A1-related conditions. This variant is not present in population databases (ExAC no frequency). This sequence change replaces methionine with isoleucine at codon 252 of the SLC24A1 protein (p.Met252Ile). The methionine residue is weakly conserved and there is a small physicochemical difference between methionine and isoleucine. In summary, the available evidence is currently insufficient to determine the role of this variant in disease. Therefore, it has been classified as a Variant of Uncertain Significance.